The following is an entry in ClinVar:

ClinVar aggregate classification (germline): Uncertain significance (1 of 4 stars; one submission).

Conditions:
Hereditary spastic paraplegia 3A (SPG3A). Also called: Spastic Paraplegia 3A; Spastic paraplegia 3A, autosomal dominant; SPASTIC PARAPLEGIA 3, AUTOSOMAL DOMINANT; FAMILIAL SPASTIC PARAPLEGIA, AUTOSOMAL DOMINANT, 1; SPG3; STRUMPELL DISEASE. Identifiers: Orphanet 100984, MedGen C2931355, MONDO:0008437, OMIM 182600.

Submission:

Labcorp Genetics (formerly Invitae), Labcorp
Classification: Uncertain significance for Hereditary spastic paraplegia 3A. Last evaluated: 2025-06-13. Review status: criteria provided, single submitter. Criteria: Invitae Variant Classification Sherloc (09022015). Collection method: clinical testing. Allele origin: germline.
Comment: This sequence change replaces lysine, which is basic and polar, with asparagine, which is neutral and polar, at codon 407 of the ATL1 protein (p.Lys407Asn). This variant is not present in population databases (gnomAD no frequency). This missense change has been observed in individual(s) with ATL1-related conditions (PMID: 33528536). ClinVar contains an entry for this variant (Variation ID: 2736109). Invitae Evidence Modeling of protein sequence and biophysical properties (such as structural, functional, and spatial information, amino acid conservation, physicochemical variation, residue mobility, and thermodynamic stability) has been performed for this missense variant. However, the output from this modeling did not meet the statistical confidence thresholds required to predict the impact of this variant on ATL1 protein function. This variant disrupts the p.Lys407 amino acid residue in ATL1. Other variant(s) that disrupt this residue have been determined to be pathogenic (PMID: 19423133). This suggests that this residue is clinically significant, and that variants that disrupt this residue are likely to be disease-causing. In summary, the available evidence is currently insufficient to determine the role of this variant in disease. Therefore, it has been classified as a Variant of Uncertain Significance.

Literature cited by the submitters: PubMed 33528536; PubMed 19423133.

NM_015915.5(ATL1):c.1221G>C (p.Lys407Asn)

Gene: ATL1 (atlastin GTPase 1; plus strand). Cytogenetic location: 14q22.1.
Variant type: single nucleotide variant.
Coding change: c.1221G>C on transcript NM_015915.5 (MANE Select); coding-DNA position 1221, G replaced by C.
Protein change: p.Lys407Asn; replaces lysine 407 with asparagine.
Molecular consequence: missense variant.
Genome position (GRCh38, 1-based): chr14:50,628,132, G>C. VCF-style: chr14-50628132-G-C. GRCh37 (hg19) VCF-style: chr14-51094850-G-C.
Other names: c.1221G>C, p.Lys407Asn (NM_001127713.1, NM_181598.4); short protein forms K407N.
Identifiers: ClinVar variation 2736109 (VCV002736109.3), dbSNP rs763373694, ClinGen allele CA389675798.